The following is an entry in ClinVar:

NM_001134363.3(RBM20):c.730A>G (p.Thr244Ala)

Gene: RBM20 (RNA binding motif protein 20; plus strand). Cytogenetic location: 10q25.2.
Variant type: single nucleotide variant.
Coding change: c.730A>G on transcript NM_001134363.3 (MANE Select); coding-DNA position 730, A replaced by G.
Protein change: p.Thr244Ala; replaces threonine 244 with alanine.
Molecular consequence: missense variant.
Genome position (GRCh38, 1-based): chr10:110,781,339, A>G. VCF-style: chr10-110781339-A-G. GRCh37 (hg19) VCF-style: chr10-112541097-A-G.
Other names: short protein forms T244A.
Identifiers: ClinVar variation 4992506 (VCV004992506.1).
Genomic context (GRCh38, chr10:110,781,339, plus strand): 5'-GCTACAGCAGGATTCTATGAGTATGGCAAAGCCAGCTCTGGCCAGACATATGGCCCTGAA[A>G]CAGATGGTCAGCCTGGCTTCCTGCCATCCTCGGCCTCAACCTCGGGCAGTGTGACCTATG-3'
Protein context (NP_001127835.2, residues 234-254): ASSGQTYGPE[Thr244Ala]DGQPGFLPSS

ClinVar aggregate classification (germline): Uncertain significance (1 of 4 stars; one submission).

Conditions:
RBM20-related disorder. Also called: RBM20-related condition.

Submission:

PreventionGenetics, part of Exact Sciences
Classification: Uncertain significance for RBM20-related condition. Last evaluated: 2026-01-13. Review status: criteria provided, single submitter. Criteria: ACMG Guidelines, 2015. Collection method: clinical testing. Allele origin: germline.
Comment: The RBM20 c.730A>G variant is predicted to result in the amino acid substitution p.Thr244Ala. To our knowledge, this variant has not been reported in the literature or in a large population database (gnomAD), indicating this variant is rare. At this time, the clinical significance of this variant is uncertain due to the absence of conclusive functional and genetic evidence.